The following is an entry in ClinVar:

ClinVar aggregate classification (germline): Uncertain significance. Review status: criteria provided, multiple submitters, no conflicts (2 of 4 stars). 3 submissions from 3 submitters: Uncertain significance (3). Last evaluated 2026-10-01.

Allele frequency attached by ClinVar (database versions not stated): ExAC 0.00026; gnomAD 0.00026; ESP Exome Variant Server 0.00085; gnomAD exomes 0.00024; TOPMed 0.00029.

Submissions (3):

GeneDx
Classification: Uncertain significance. Last evaluated: 2026-10-01. Review status: criteria provided, single submitter. Criteria: GeneDx Variant Classification Process June 2021. Collection method: clinical testing. Allele origin: germline.
Comment: In silico analysis suggests that this missense variant does not alter protein structure/function; Has not been previously published as pathogenic or benign to our knowledge

Blueprint Genetics
Classification: Uncertain significance. Last evaluated: 2024-11-11. Review status: criteria provided, single submitter. Criteria: ACMG Guidelines, 2015. Collection method: clinical testing. Allele origin: germline.

Labcorp Genetics (formerly Invitae), Labcorp
Classification: Uncertain significance. Last evaluated: 2023-04-11. Review status: criteria provided, single submitter. Criteria: Invitae Variant Classification Sherloc (09022015). Collection method: clinical testing. Allele origin: germline.
Comment: In summary, the available evidence is currently insufficient to determine the role of this variant in disease. Therefore, it has been classified as a Variant of Uncertain Significance. An algorithm developed to predict the effect of missense changes on protein structure and function (PolyPhen-2) suggests that this variant is likely to be disruptive. ClinVar contains an entry for this variant (Variation ID: 1334355). This variant has not been reported in the literature in individuals affected with EPS8-related conditions. This variant is present in population databases (rs149793749, gnomAD 0.04%). This sequence change replaces arginine, which is basic and polar, with histidine, which is basic and polar, at codon 656 of the EPS8 protein (p.Arg656His).

NM_004447.6(EPS8):c.1967G>A (p.Arg656His)

Gene: EPS8 (EGFR pathway substrate 8, signaling adaptor; minus strand). Cytogenetic location: 12p12.3.
Variant type: single nucleotide variant.
Coding change: c.1967G>A on transcript NM_004447.6 (MANE Select); coding-DNA position 1967, G replaced by A.
Protein change: p.Arg656His; replaces arginine 656 with histidine.
Molecular consequence: missense variant.
Genome position (GRCh38, 1-based): chr12:15,631,519, C>T on the plus strand (G>A on the coding strand, the complement: EPS8 is on the minus strand). VCF-style: chr12-15631519-C-T. GRCh37 (hg19) VCF-style: chr12-15784453-C-T.
Other names: short protein forms R656H.
Identifiers: ClinVar variation 1334355 (VCV001334355.12), dbSNP rs149793749, ClinGen allele CA6467393.